The following is an entry in ClinVar:

ClinVar aggregate classification (germline): Likely benign. Review status: criteria provided, multiple submitters, no conflicts (2 of 4 stars). 4 submissions from 4 submitters: Likely benign (4). Last evaluated 2026-01-24.

Conditions:
Developmental and epileptic encephalopathy, 1 (DEE1). Also called: INFANTILE SPASM SYNDROME, X-LINKED 1; X-linked infantile spasms; West's syndrome; Tonic spasms with clustering, arrest of psychomotor development and hypsarrhythmia on EEG; X-Linked Infantile Spasm Syndrome; Epileptic encephalopathy, early infantile, 1. Identifiers: MedGen C3463992, MONDO:0010632, OMIM 308350. Disease mechanism: loss of function.
Autosomal recessive spinocerebellar ataxia 12. Also called: SPINOCEREBELLAR ATAXIA WITH MENTAL RETARDATION AND EPILEPSY. Identifiers: Orphanet 284282, MedGen C3280452, MONDO:0013687, OMIM 614322.

gnomAD v4.1: 647 of 1,613,860 alleles (0.04%); highest among the groups gnomAD compares: Non-Finnish European, 0.046%; 2 homozygotes.

Submissions (4):

Labcorp Genetics (formerly Invitae), Labcorp
Classification: Likely benign for Developmental and epileptic encephalopathy, 1; Autosomal recessive spinocerebellar ataxia 12. Last evaluated: 2026-01-24. Review status: criteria provided, single submitter. Criteria: Invitae Variant Classification Sherloc (09022015). Collection method: clinical testing. Allele origin: germline.

ARUP Laboratories, Molecular Genetics and Genomics, ARUP Laboratories
Classification: Likely benign. Last evaluated: 2025-07-17. Review status: criteria provided, single submitter. Criteria: ARUP Molecular Germline Variant Investigation Process 2024. Collection method: clinical testing. Allele origin: germline.

Blueprint Genetics
Classification: Likely benign. Last evaluated: 2024-11-14. Review status: criteria provided, single submitter. Criteria: ACMG Guidelines, 2015. Collection method: clinical testing. Allele origin: germline.

GeneDx
Classification: Likely benign. Last evaluated: 2018-02-26. Review status: criteria provided, single submitter. Criteria: GeneDx Variant Classification (06012015). Collection method: clinical testing. Allele origin: germline. Affected: yes.
Comment: This variant is considered likely benign or benign based on one or more of the following criteria: it is a conservative change, it occurs at a poorly conserved position in the protein, it is predicted to be benign by multiple in silico algorithms, and/or has population frequency not consistent with disease.

NM_016373.4(WWOX):c.409+16A>T

Gene: WWOX (WW domain containing oxidoreductase; plus strand). Cytogenetic location: 16q23.1.
Variant type: single nucleotide variant.
Coding change: c.409+16A>T on transcript NM_016373.4 (MANE Select); 16 bases into the intron after coding-DNA position 409, A replaced by T.
Molecular consequence: intron variant.
Genome position (GRCh38, 1-based): chr16:78,115,170, A>T. VCF-style: chr16-78115170-A-T. GRCh37 (hg19) VCF-style: chr16-78149067-A-T.
Other names: c.70+16A>T (NM_001291997.2); c.409+16A>T (NM_130791.5).
Identifiers: ClinVar variation 383978 (VCV000383978.11), dbSNP rs12934985, ClinGen allele CA8183182.